The following is an entry in ClinVar:

NM_152305.3(POGLUT1):c.62C>T (p.Ala21Val)

Gene: POGLUT1 (protein O-glucosyltransferase 1; plus strand). Cytogenetic location: 3q13.33.
Variant type: single nucleotide variant.
Coding change: c.62C>T on transcript NM_152305.3 (MANE Select); coding-DNA position 62, C replaced by T.
Protein change: p.Ala21Val; replaces alanine 21 with valine.
Molecular consequence: missense variant. On other transcripts: non-coding transcript variant (1).
Genome position (GRCh38, 1-based): chr3:119,469,083, C>T. VCF-style: chr3-119469083-C-T. GRCh37 (hg19) VCF-style: chr3-119187930-C-T.
Other names: short protein forms A21V.
Identifiers: ClinVar variation 4775561 (VCV004775561.1).

ClinVar aggregate classification (germline): Uncertain significance (1 of 4 stars; one submission).

gnomAD v4.1: 3 of 1,607,784 alleles (0.00019%); highest among the groups gnomAD compares: Non-Finnish European, 0.00025%; no homozygotes.

Submission:

Labcorp Genetics (formerly Invitae), Labcorp
Classification: Uncertain significance. Last evaluated: 2025-09-21. Review status: criteria provided, single submitter. Criteria: Invitae Variant Classification Sherloc (09022015). Collection method: clinical testing. Allele origin: germline.
Comment: This sequence change replaces alanine, which is neutral and non-polar, with valine, which is neutral and non-polar, at codon 21 of the POGLUT1 protein (p.Ala21Val). This variant is not present in population databases (gnomAD no frequency). This variant has not been reported in the literature in individuals affected with POGLUT1-related conditions. An algorithm developed to predict the effect of missense changes on protein structure and function outputs the following: PolyPhen-2: "Benign". The valine amino acid residue is found in multiple mammalian species, which suggests that this missense change does not adversely affect protein function. In summary, the available evidence is currently insufficient to determine the role of this variant in disease. Therefore, it has been classified as a Variant of Uncertain Significance.